The following is an entry in ClinVar:

ClinVar aggregate classification (germline): Uncertain significance (1 of 4 stars; one submission).

Conditions:
Leukocyte adhesion deficiency 1 (LAD1). Also called: LAD 1; Lymphocyte function-associated antigen 1 immunodeficiency; LFA 1 immunodeficiency; LEUKOCYTE ADHESION DEFICIENCY, TYPE I. Identifiers: Orphanet 2968, Orphanet 99842, MedGen C0398738, MONDO:0007293, OMIM 116920.

Allele frequency attached by ClinVar (database versions not stated): gnomAD exomes below 0.00001.
gnomAD v4.1: 3 of 1,614,110 alleles (0.00019%); highest among the groups gnomAD compares: South Asian, 0.0011%; no homozygotes.

Submission:

Labcorp Genetics (formerly Invitae), Labcorp
Classification: Uncertain significance for Leukocyte adhesion deficiency 1. Last evaluated: 2022-02-04. Review status: criteria provided, single submitter. Criteria: Invitae Variant Classification Sherloc (09022015). Collection method: clinical testing. Allele origin: germline.
Comment: This sequence change replaces alanine, which is neutral and non-polar, with threonine, which is neutral and polar, at codon 757 of the ITGB2 protein (p.Ala757Thr). This variant is present in population databases (no rsID available, gnomAD 0.003%). This variant has not been reported in the literature in individuals affected with ITGB2-related conditions. Algorithms developed to predict the effect of missense changes on protein structure and function are either unavailable or do not agree on the potential impact of this missense change (SIFT: "Tolerated"; PolyPhen-2: "Probably Damaging"; Align-GVGD: "Class C0"). In summary, the available evidence is currently insufficient to determine the role of this variant in disease. Therefore, it has been classified as a Variant of Uncertain Significance.

NM_000211.5(ITGB2):c.2269G>A (p.Ala757Thr)

Gene: ITGB2 (integrin subunit beta 2; minus strand). Cytogenetic location: 21q22.3.
Variant type: single nucleotide variant.
Coding change: c.2269G>A on transcript NM_000211.5 (MANE Select); coding-DNA position 2269, G replaced by A.
Protein change: p.Ala757Thr; replaces alanine 757 with threonine.
Molecular consequence: missense variant.
Genome position (GRCh38, 1-based): chr21:44,886,409, C>T on the plus strand (G>A on the coding strand, the complement: ITGB2 is on the minus strand). VCF-style: chr21-44886409-C-T. GRCh37 (hg19) VCF-style: chr21-46306324-C-T.
Other names: c.2269G>A, p.Ala757Thr (NM_001127491.3); c.2062G>A, p.Ala688Thr (NM_001303238.2); short protein forms A688T, A757T.
Identifiers: ClinVar variation 1521894 (VCV001521894.5), dbSNP rs1421408165, ClinGen allele CA410482262.